The following is an entry in ClinVar:

ClinVar aggregate classification (germline): Conflicting classifications of pathogenicity. Review status: criteria provided, conflicting classifications (1 of 4 stars). 6 submissions from 6 submitters: Uncertain significance (2); Likely benign (3). 1 of the submissions does not count toward it. Last evaluated 2025-12-17.

Conditions:
Inborn genetic diseases. Identifiers: MedGen C0950123, MeSH D030342.
VPS13D-related disorder. Also called: VPS13D-related condition.

Allele frequency attached by ClinVar (database versions not stated): gnomAD 0.00036 and 0.00037; TOPMed 0.00043; ExAC 0.00045; gnomAD exomes 0.00051 and 0.00064; ESP Exome Variant Server 0.00077.
gnomAD v4.1: 992 of 1,613,970 alleles (0.061%); highest among the groups gnomAD compares: Non-Finnish European, 0.062%; no homozygotes.

Submissions (6):

Labcorp Genetics (formerly Invitae), Labcorp
Classification: Likely benign. Last evaluated: 2025-12-17. Review status: criteria provided, single submitter. Criteria: Invitae Variant Classification Sherloc (09022015). Collection method: clinical testing. Allele origin: germline.

Mayo Clinic Laboratories, Mayo Clinic
Classification: Likely benign. Last evaluated: 2025-01-27. Review status: criteria provided, single submitter. Criteria: ACMG Guidelines, 2015. Collection method: clinical testing. Allele origin: germline. Observed: 2 variant alleles.
Comment: BA1, BP4_moderate

Blueprint Genetics
Classification: Likely benign. Last evaluated: 2024-07-25. Review status: criteria provided, single submitter. Criteria: ACMG Guidelines, 2015. Collection method: clinical testing. Allele origin: germline.

GeneDx
Classification: Uncertain significance. Last evaluated: 2023-06-02. Review status: criteria provided, single submitter. Criteria: GeneDx Variant Classification Process June 2021. Collection method: clinical testing. Allele origin: germline. Affected: yes.
Comment: In silico analysis supports that this missense variant has a deleterious effect on protein structure/function; Has not been previously published as pathogenic or benign to our knowledge

Ambry Genetics
Classification: Uncertain significance for Inborn genetic diseases. Last evaluated: 2021-05-29. Review status: criteria provided, single submitter. Criteria: Ambry Variant Classification Scheme 2023. Collection method: clinical testing. Allele origin: germline.

PreventionGenetics, part of Exact Sciences
Classification: Likely benign for VPS13D-related condition. Last evaluated: 2019-11-19. Review status: no assertion criteria provided. Collection method: clinical testing. Allele origin: germline. Not counted in ClinVar's aggregate classification.
Comment: This variant is classified as likely benign based on ACMG/AMP sequence variant interpretation guidelines (Richards et al. 2015 PMID: 25741868, with internal and published modifications).

NM_015378.4(VPS13D):c.6310G>A (p.Gly2104Arg)

Gene: VPS13D (vacuolar protein sorting 13 homolog D; plus strand). Cytogenetic location: 1p36.22.
Variant type: single nucleotide variant.
Coding change: c.6310G>A on transcript NM_015378.4 (MANE Select); coding-DNA position 6310, G replaced by A.
Protein change: p.Gly2104Arg; replaces glycine 2104 with arginine.
Molecular consequence: missense variant.
Genome position (GRCh38, 1-based): chr1:12,304,599, G>A. VCF-style: chr1-12304599-G-A. GRCh37 (hg19) VCF-style: chr1-12364656-G-A.
Other names: p.Gly2104Arg; c.6310G>A (NM_015378.2, NM_015378.3); c.6310G>A, p.Gly2104Arg (NM_018156.4); short protein forms G2104R.
Identifiers: ClinVar variation 1648242 (VCV001648242.13), dbSNP rs143146120, ClinGen allele CA602562.